The following is an entry in ClinVar:

NM_000124.4(ERCC6):c.3459T>C (p.Leu1153=)

Gene: ERCC6 (ERCC excision repair 6, chromatin remodeling factor; minus strand). Cytogenetic location: 10q11.23.
Variant type: single nucleotide variant.
Coding change: c.3459T>C on transcript NM_000124.4 (MANE Select); coding-DNA position 3459, T replaced by C.
Protein change: p.Leu1153=; no amino-acid change (leucine 1153 retained).
Molecular consequence: synonymous variant.
Genome position (GRCh38, 1-based): chr10:49,470,501, A>G on the plus strand (T>C on the coding strand, the complement: ERCC6 is on the minus strand). VCF-style: chr10-49470501-A-G. GRCh37 (hg19) VCF-style: chr10-50678547-A-G.
Other names: c.3459T>C, p.Leu1153= (NM_001346440.2).
Identifiers: ClinVar variation 3251047 (VCV003251047.18), dbSNP rs749166731.

ClinVar aggregate classification (germline): Likely benign (1 of 4 stars; one submission).

Submission:

CeGaT Center for Human Genetics Tuebingen
Classification: Likely benign. Last evaluated: 2024-06-01. Review status: criteria provided, single submitter. Criteria: CeGaT Center For Human Genetics Tuebingen Variant Classification Criteria Version 2. Collection method: clinical testing. Allele origin: germline. Affected: yes. Observed: 1 variant allele.
Comment: ERCC6: PM2:Supporting, BP4, BP7